The following is an entry in ClinVar:

ClinVar aggregate classification (germline): Uncertain significance (1 of 4 stars; one submission).

Conditions:
Cardiovascular phenotype. Identifiers: MedGen CN230736.

Submission:

Ambry Genetics
Classification: Uncertain significance for Cardiovascular phenotype. Last evaluated: 2026-04-18. Review status: criteria provided, single submitter. Criteria: Ambry Variant Classification Scheme 2023. Collection method: clinical testing. Allele origin: germline.
Comment: The p.L1705V variant (also known as c.5113C>G), located in coding exon 26 of the APOB gene, results from a C to G substitution at nucleotide position 5113. The leucine at codon 1705 is replaced by valine, an amino acid with highly similar properties. This amino acid position is conserved. In addition, this alteration is predicted to be tolerated by in silico analysis. Based on the available evidence, the clinical significance of this variant remains unclear.

NM_000384.3(APOB):c.5113C>G (p.Leu1705Val)

Gene: APOB (apolipoprotein B; minus strand). Cytogenetic location: 2p24.1.
Variant type: single nucleotide variant.
Coding change: c.5113C>G on transcript NM_000384.3 (MANE Select); coding-DNA position 5113, C replaced by G.
Protein change: p.Leu1705Val; replaces leucine 1705 with valine.
Molecular consequence: missense variant.
Genome position (GRCh38, 1-based): chr2:21,011,755, G>C on the plus strand (C>G on the coding strand, the complement: APOB is on the minus strand). VCF-style: chr2-21011755-G-C. GRCh37 (hg19) VCF-style: chr2-21234627-G-C.
Other names: short protein forms L1705V.
Identifiers: ClinVar variation 4862597 (VCV004862597.1).